The following is an entry in ClinVar:

NM_001304548.2(CFAP47):c.4417A>G (p.Thr1473Ala)

Gene: CFAP47 (cilia and flagella associated protein 47; plus strand). Cytogenetic location: Xp21.1.
Variant type: single nucleotide variant.
Coding change: c.4417A>G on transcript NM_001304548.2 (MANE Select); coding-DNA position 4417, A replaced by G.
Protein change: p.Thr1473Ala; replaces threonine 1473 with alanine.
Molecular consequence: missense variant.
Genome position (GRCh38, 1-based): chrX:36,071,923, A>G. VCF-style: chrX-36071923-A-G. GRCh37 (hg19) VCF-style: chrX-36090040-A-G.
Other names: short protein forms T1473A.
Identifiers: ClinVar variation 3771349 (VCV003771349.13).

ClinVar aggregate classification (germline): Likely benign (1 of 4 stars; one submission).

gnomAD v4.1: 7 of 1,208,595 alleles (0.00058%); highest among the groups gnomAD compares: Middle Eastern, 0.046%; no homozygotes.

Submission:

CeGaT Center for Human Genetics Tuebingen
Classification: Likely benign. Last evaluated: 2025-02-01. Review status: criteria provided, single submitter. Criteria: CeGaT Center For Human Genetics Tuebingen Variant Classification Criteria Version 2. Collection method: clinical testing. Allele origin: germline. Affected: yes. Observed: 2 variant alleles.
Comment: CFAP47: BP4